The following is an entry in ClinVar:

ClinVar aggregate classification (germline): Uncertain significance (1 of 4 stars; one submission).

Conditions:
Genitopatellar syndrome (GTPTS). Also called: ABSENT PATELLAE, SCROTAL HYPOPLASIA, RENAL ANOMALIES, FACIAL DYSMORPHISM, AND MENTAL RETARDATION; Genitopatellar syndrome (GPS). Identifiers: Orphanet 85201, MedGen C1853566, MONDO:0011640, OMIM 606170.

Submission:

Labcorp Genetics (formerly Invitae), Labcorp
Classification: Uncertain significance for Genitopatellar syndrome. Last evaluated: 2024-08-28. Review status: criteria provided, single submitter. Criteria: Invitae Variant Classification Sherloc (09022015). Collection method: clinical testing. Allele origin: germline.
Comment: This sequence change replaces glutamic acid, which is acidic and polar, with lysine, which is basic and polar, at codon 1063 of the KAT6B protein (p.Glu1063Lys). This variant is not present in population databases (gnomAD no frequency). This variant has not been reported in the literature in individuals affected with KAT6B-related conditions. Invitae Evidence Modeling of protein sequence and biophysical properties (such as structural, functional, and spatial information, amino acid conservation, physicochemical variation, residue mobility, and thermodynamic stability) indicates that this missense variant is not expected to disrupt KAT6B protein function with a negative predictive value of 80%. In summary, the available evidence is currently insufficient to determine the role of this variant in disease. Therefore, it has been classified as a Variant of Uncertain Significance.

NM_012330.4(KAT6B):c.3187G>A (p.Glu1063Lys)

Gene: KAT6B (lysine acetyltransferase 6B; plus strand). Cytogenetic location: 10q22.2.
Variant type: single nucleotide variant.
Coding change: c.3187G>A on transcript NM_012330.4 (MANE Select); coding-DNA position 3187, G replaced by A.
Protein change: p.Glu1063Lys; replaces glutamic acid 1063 with lysine.
Molecular consequence: missense variant.
Genome position (GRCh38, 1-based): chr10:75,022,046, G>A. VCF-style: chr10-75022046-G-A. GRCh37 (hg19) VCF-style: chr10-76781804-G-A.
Other names: c.2638G>A, p.Glu880Lys (NM_001256468.2, NM_001370138.1); c.2311G>A, p.Glu771Lys (NM_001256469.2, NM_001370139.1, NM_001370140.1 and 2 more transcripts); c.2149G>A, p.Glu717Lys (NM_001370132.1); c.1498G>A, p.Glu500Lys (NM_001370133.1); c.1102G>A, p.Glu368Lys (NM_001370134.1); c.844G>A, p.Glu282Lys (NM_001370135.1); c.3187G>A, p.Glu1063Lys (NM_001370136.1, NM_001370137.1); c.2122G>A, p.Glu708Lys (NM_001370143.1, NM_001370144.1); short protein forms E1063K, E282K, E368K, E708K, E771K, E880K, E500K, E717K.
Identifiers: ClinVar variation 3715121 (VCV003715121.2).